The following is an entry in ClinVar:

ClinVar aggregate classification (germline): Pathogenic (1 of 4 stars; one submission).

Allele frequency attached by ClinVar (database versions not stated): gnomAD exomes below 0.00001; TOPMed below 0.00001.
gnomAD v4.1: 1 of 1,614,198 alleles (0.000062%); highest among the groups gnomAD compares: Non-Finnish European, 0.000085%; no homozygotes.

Submission:

Labcorp Genetics (formerly Invitae), Labcorp
Classification: Pathogenic. Last evaluated: 2024-04-17. Review status: criteria provided, single submitter. Criteria: Invitae Variant Classification Sherloc (09022015). Collection method: clinical testing. Allele origin: germline.
Comment: This sequence change creates a premature translational stop signal (p.Glu467*) in the C1S gene. While this is not anticipated to result in nonsense mediated decay, it is expected to disrupt the last 222 amino acid(s) of the C1S protein. This variant is not present in population databases (gnomAD no frequency). This variant has not been reported in the literature in individuals affected with C1S-related conditions. ClinVar contains an entry for this variant (Variation ID: 2080661). This variant disrupts a region of the C1S protein in which other variant(s) ( p.Glu597*) have been determined to be pathogenic (PMID: 9973493, 19155518). This suggests that this is a clinically significant region of the protein, and that variants that disrupt it are likely to be disease-causing. For these reasons, this variant has been classified as Pathogenic.

Literature cited by the submitters: PubMed 9973493; PubMed 19155518.

NM_001734.5(C1S):c.1399G>T (p.Glu467Ter)

Gene: C1S (complement C1s; plus strand). Cytogenetic location: 12p13.31.
Variant type: single nucleotide variant.
Coding change: c.1399G>T on transcript NM_001734.5 (MANE Select); coding-DNA position 1399, G replaced by T.
Protein change: p.Glu467Ter; replaces glutamic acid 467 with a stop codon.
Molecular consequence: nonsense.
Genome position (GRCh38, 1-based): chr12:7,069,983, G>T. VCF-style: chr12-7069983-G-T. GRCh37 (hg19) VCF-style: chr12-7177287-G-T.
Other names: c.898G>T, p.Glu300Ter (NM_001346850.2); c.1399G>T, p.Glu467Ter (NM_201442.4); short protein forms E467*, E300*.
Identifiers: ClinVar variation 2080661 (VCV002080661.4), dbSNP rs1331982735, ClinGen allele CA383704287.